The following is an entry in ClinVar:

ClinVar aggregate classification (germline): Conflicting classifications of pathogenicity. Review status: criteria provided, conflicting classifications (1 of 4 stars). 2 submissions from 2 submitters: Uncertain significance (1); Likely benign (1). Last evaluated 2025-01-13.

Conditions:
Tuberous sclerosis 2 (TSC2). Identifiers: Orphanet 805, MedGen C1860707, MONDO:0013199, OMIM 613254.
Hereditary cancer-predisposing syndrome. Also called: Tumor predisposition; Neoplastic Syndromes, Hereditary; Hereditary Cancer Syndrome; Hereditary neoplastic syndrome. Identifiers: Orphanet 140162, MedGen C0027672, MeSH D009386, MONDO:0015356.

Submissions (2):

Labcorp Genetics (formerly Invitae), Labcorp
Classification: Uncertain significance for Tuberous sclerosis 2. Last evaluated: 2025-01-13. Review status: criteria provided, single submitter. Criteria: Invitae Variant Classification Sherloc (09022015). Collection method: clinical testing. Allele origin: germline.
Comment: This sequence change replaces glutamic acid, which is acidic and polar, with aspartic acid, which is acidic and polar, at codon 973 of the TSC2 protein (p.Glu973Asp). This variant is not present in population databases (gnomAD no frequency). This variant has not been reported in the literature in individuals affected with TSC2-related conditions. ClinVar contains an entry for this variant (Variation ID: 2624602). Invitae Evidence Modeling of protein sequence and biophysical properties (such as structural, functional, and spatial information, amino acid conservation, physicochemical variation, residue mobility, and thermodynamic stability) indicates that this missense variant is not expected to disrupt TSC2 protein function with a negative predictive value of 95%. In summary, the available evidence is currently insufficient to determine the role of this variant in disease. Therefore, it has been classified as a Variant of Uncertain Significance.

Ambry Genetics
Classification: Likely benign for Hereditary cancer-predisposing syndrome. Last evaluated: 2023-07-08. Review status: criteria provided, single submitter. Criteria: Ambry Variant Classification Scheme 2023. Collection method: clinical testing. Allele origin: germline.

NM_000548.5(TSC2):c.2919G>T (p.Glu973Asp)

Gene: TSC2 (TSC complex subunit 2; plus strand). Cytogenetic location: 16p13.3.
Variant type: single nucleotide variant.
Coding change: c.2919G>T on transcript NM_000548.5 (MANE Select); coding-DNA position 2919, G replaced by T.
Protein change: p.Glu973Asp; replaces glutamic acid 973 with aspartic acid.
Molecular consequence: missense variant. On other transcripts: intron variant (31).
Genome position (GRCh38, 1-based): chr16:2,077,679, G>T. VCF-style: chr16-2077679-G-T. GRCh37 (hg19) VCF-style: chr16-2127680-G-T.
Other names: c.2919G>T, p.Glu973Asp (NM_001114382.3, NM_001406663.1, NM_001406664.1); c.2808G>T, p.Glu936Asp (NM_001406670.1); c.2772G>T, p.Glu924Asp (NM_001406675.1, NM_001406676.1); c.2319G>T, p.Glu773Asp (NM_001406680.1, NM_001406682.1, NM_001406683.1 and 1 more transcripts); c.1575G>T, p.Glu525Asp (NM_001406689.1); c.1493+1094G>T (NM_001406693.1, NM_001406694.1, NM_001406695.1 and 5 more transcripts); c.2927+1094G>T (NM_001406667.1, NM_001406668.1); c.2825+1094G>T (NM_001406671.1, NM_001406673.1); and 8 more; short protein forms E525D, E773D, E924D, E936D, E973D.
Identifiers: ClinVar variation 2624602 (VCV002624602.4), dbSNP rs2543976914, ClinGen allele CA394281314.
Genomic context (GRCh38, chr16:2,077,679, plus strand): 5'-CAAACAAGGCTTGAATAACTCTCCACCCGTGAAAGAATTCAAGGAGAGCTCTGCAGCCGA[G>T]GCCTTCCGGTGCCGCAGCATCAGTGTGTCTGAACATGTGGTCCGCAGGTAGCGGGACTGT-3'
Protein context (NP_000539.2, residues 963-983): VKEFKESSAA[Glu973Asp]AFRCRSISVS